The following is an entry in ClinVar:

NM_003072.5(SMARCA4):c.2001+5G>T

Gene: SMARCA4 (SWI/SNF related BAF chromatin remodeling complex subunit ATPase 4; plus strand). Cytogenetic location: 19p13.2.
Variant type: single nucleotide variant.
Coding change: c.2001+5G>T on transcript NM_003072.5 (MANE Select); 5 bases into the intron after coding-DNA position 2001, G replaced by T.
Molecular consequence: intron variant.
Genome position (GRCh38, 1-based): chr19:11,003,402, G>T. VCF-style: chr19-11003402-G-T. GRCh37 (hg19) VCF-style: chr19-11114078-G-T.
Other names: c.2001+5G>T (NM_001128844.3, NM_001128849.3, NM_001128847.4 and 5 more transcripts).
Identifiers: ClinVar variation 1035948 (VCV001035948.11), dbSNP rs780996751, ClinGen allele CA9203966.

ClinVar aggregate classification (germline): Uncertain significance. Review status: criteria provided, multiple submitters, no conflicts (2 of 4 stars). 3 submissions from 3 submitters: Uncertain significance (3). Last evaluated 2025-06-30.

Conditions:
Hereditary cancer-predisposing syndrome. Also called: Neoplastic Syndromes, Hereditary; Hereditary Cancer Syndrome; Tumor predisposition; Hereditary neoplastic syndrome. Identifiers: Orphanet 140162, MedGen C0027672, MeSH D009386, MONDO:0015356.
Rhabdoid tumor predisposition syndrome 2 (RTPS2). Identifiers: Orphanet 231108, Orphanet 69077, MedGen C2750074, MONDO:0013224, OMIM 613325.

Allele frequency attached by ClinVar (database versions not stated): gnomAD exomes 0.00001; ExAC 0.00002.
gnomAD v4.1: 6 of 1,613,242 alleles (0.00037%); highest among the groups gnomAD compares: South Asian, 0.0066%; no homozygotes.

Submissions (3):

Labcorp Genetics (formerly Invitae), Labcorp
Classification: Uncertain significance for Rhabdoid tumor predisposition syndrome 2. Last evaluated: 2025-06-30. Review status: criteria provided, single submitter. Criteria: Invitae Variant Classification Sherloc (09022015). Collection method: clinical testing. Allele origin: germline.
Comment: This sequence change falls in intron 13 of the SMARCA4 gene. It does not directly change the encoded amino acid sequence of the SMARCA4 protein. It affects a nucleotide within the consensus splice site. This variant is present in population databases (rs780996751, gnomAD 0.006%). This variant has not been reported in the literature in individuals affected with SMARCA4-related conditions. ClinVar contains an entry for this variant (Variation ID: 1035948). Variants that disrupt the consensus splice site are a relatively common cause of aberrant splicing (PMID: 17576681, 9536098). Algorithms developed to predict the effect of sequence changes on RNA splicing suggest that this variant is not likely to affect RNA splicing. In summary, the available evidence is currently insufficient to determine the role of this variant in disease. Therefore, it has been classified as a Variant of Uncertain Significance.

Quest Diagnostics Nichols Institute San Juan Capistrano
Classification: Uncertain significance. Last evaluated: 2025-04-08. Review status: criteria provided, single submitter. Criteria: Quest Diagnostics criteria. Collection method: clinical testing. Allele origin: unknown.
Comment: The SMARCA4 c.2001+5G>T variant has not been reported in individuals with SMARCA4-related conditions in the published literature. The frequency of this variant in the general population (Genome Aggregation Database) is uninformative in the assessment of its pathogenicity. Analysis of this variant using software algorithms for the prediction of the effect of nucleotide changes on splicing yielded predictions that this variant may affect proper SMARCA4 mRNA splicing. Based on the available information, we are unable to determine the clinical significance of this variant.

Ambry Genetics
Classification: Uncertain significance for Hereditary cancer-predisposing syndrome. Last evaluated: 2024-09-11. Review status: criteria provided, single submitter. Criteria: Ambry Variant Classification Scheme 2023. Collection method: clinical testing. Allele origin: germline.
Comment: The c.2001+5G>T intronic variant results from a G to T substitution 5 nucleotides after coding exon 12 in the SMARCA4 gene. This nucleotide position is highly conserved in available vertebrate species. In silico splice site analysis predicts that this alteration will not have any significant effect on splicing. Since supporting evidence is limited at this time, the clinical significance of this alteration remains unclear.

Literature cited by the submitters: PubMed 17576681 (cited by Labcorp Genetics (formerly Invitae), Labcorp); PubMed 9536098 (cited by Labcorp Genetics (formerly Invitae), Labcorp).